The following is an entry in ClinVar:

NM_002109.6(HARS1):c.472C>T (p.Arg158Trp)

Gene: HARS1 (histidyl-tRNA synthetase 1; minus strand). Cytogenetic location: 5q31.3.
Variant type: single nucleotide variant.
Coding change: c.472C>T on transcript NM_002109.6 (MANE Select); coding-DNA position 472, C replaced by T.
Protein change: p.Arg158Trp; replaces arginine 158 with tryptophan.
Molecular consequence: missense variant. On other transcripts: intron variant (4).
Genome position (GRCh38, 1-based): chr5:140,679,052, G>A on the plus strand (C>T on the coding strand, the complement: HARS1 is on the minus strand). VCF-style: chr5-140679052-G-A. GRCh37 (hg19) VCF-style: chr5-140058637-G-A.
Other names: c.352C>T, p.Arg118Trp (NM_001258040.3); c.385C>T, p.Arg129Trp (NM_001289094.2); c.181-1037C>T (NM_001289093.2); c.342+10C>T (NM_001258042.3); c.301-1037C>T (NM_001289092.2); c.462+10C>T (NM_001258041.3); short protein forms R118W, R129W, R158W.
Identifiers: ClinVar variation 1680344 (VCV001680344.8), dbSNP rs939538495, ClinGen allele CA128377784.
Genomic context (GRCh38, chr5:140,679,052, plus strand): 5'-CAACACTCACACACTGGTAGAATTCCCGGTATCGGCCACGGGTCATGGCTGGGTTATCCC[G>A]CCGATATACCTTTGCTATGTGGTAGCGTTTAATGTTGGTCAGTTTATTCATTGCCAAATA-3'
Protein context (NP_002100.2, residues 148-168): KRYHIAKVYR[Arg158Trp]DNPAMTRGRY

ClinVar aggregate classification (germline): Uncertain significance (1 of 4 stars; one submission).

Conditions:
Usher syndrome type 3B. Also called: USHER SYNDROME, TYPE IIIB. Identifiers: MedGen C3281066, MONDO:0013788, OMIM 614504.

Allele frequency attached by ClinVar (database versions not stated): gnomAD exomes below 0.00001; TOPMed 0.00001; gnomAD 0.00002.
gnomAD v4.1: 8 of 1,613,922 alleles (0.0005%); highest among the groups gnomAD compares: African/African-American, 0.0027%; no homozygotes.

Submission:

Labcorp Genetics (formerly Invitae), Labcorp
Classification: Uncertain significance for Usher syndrome type 3B. Last evaluated: 2025-04-24. Review status: criteria provided, single submitter. Criteria: Invitae Variant Classification Sherloc (09022015). Collection method: clinical testing. Allele origin: germline.
Comment: This sequence change replaces arginine, which is basic and polar, with tryptophan, which is neutral and slightly polar, at codon 158 of the HARS protein (p.Arg158Trp). This variant is present in population databases (no rsID available, gnomAD 0.06%). This variant has not been reported in the literature in individuals affected with HARS-related conditions. ClinVar contains an entry for this variant (Variation ID: 1680344). Invitae Evidence Modeling of protein sequence and biophysical properties (such as structural, functional, and spatial information, amino acid conservation, physicochemical variation, residue mobility, and thermodynamic stability) indicates that this missense variant is expected to disrupt HARS protein function with a positive predictive value of 80%. In summary, the available evidence is currently insufficient to determine the role of this variant in disease. Therefore, it has been classified as a Variant of Uncertain Significance.